The following is an entry in ClinVar:

NM_000038.6(APC):c.1411G>A (p.Gly471Arg)

Gene: APC (APC regulator of Wnt signaling pathway; plus strand). Cytogenetic location: 5q22.2.
Variant type: single nucleotide variant.
Coding change: c.1411G>A on transcript NM_000038.6 (MANE Select); coding-DNA position 1411, G replaced by A.
Protein change: p.Gly471Arg; replaces glycine 471 with arginine.
Molecular consequence: missense variant.
Genome position (GRCh38, 1-based): chr5:112,827,110, G>A. VCF-style: chr5-112827110-G-A. GRCh37 (hg19) VCF-style: chr5-112162807-G-A.
Other names: c.1411G>A, p.Gly471Arg (NM_001127510.3, NM_001354895.2); c.1357G>A, p.Gly453Arg (NM_001127511.3); c.1465G>A, p.Gly489Arg (NM_001354896.2); c.1441G>A, p.Gly481Arg (NM_001354897.2); c.1336G>A, p.Gly446Arg (NM_001354898.2); c.1327G>A, p.Gly443Arg (NM_001354899.2); c.1288G>A, p.Gly430Arg (NM_001354900.2); c.1234G>A, p.Gly412Arg (NM_001354901.2); and 5 more; short protein forms G453R, G471R, G345R, G380R, G481R, G370R, G311R, G412R.
Identifiers: ClinVar variation 537508 (VCV000537508.16), dbSNP rs1554081633, ClinGen allele CA16024397.

ClinVar aggregate classification (germline): Uncertain significance. Review status: criteria provided, multiple submitters, no conflicts (2 of 4 stars). 2 submissions from 2 submitters: Uncertain significance (2). Last evaluated 2025-01-06.

Conditions:
Hereditary cancer-predisposing syndrome. Also called: Tumor predisposition; Hereditary Cancer Syndrome; Hereditary neoplastic syndrome; Neoplastic Syndromes, Hereditary. Identifiers: Orphanet 140162, MedGen C0027672, MeSH D009386, MONDO:0015356.
Familial adenomatous polyposis 1 (FAP1). Also called: FAMILIAL ADENOMATOUS POLYPOSIS 1, ATTENUATED; POLYPOSIS, ADENOMATOUS INTESTINAL. Identifiers: MedGen C2713442, MONDO:0021056, OMIM 175100. Disease mechanism: loss of function.

Submissions (2):

Labcorp Genetics (formerly Invitae), Labcorp
Classification: Uncertain significance for Familial adenomatous polyposis 1. Last evaluated: 2025-01-06. Review status: criteria provided, single submitter. Criteria: Invitae Variant Classification Sherloc (09022015). Collection method: clinical testing. Allele origin: germline.
Comment: This sequence change replaces glycine, which is neutral and non-polar, with arginine, which is basic and polar, at codon 471 of the APC protein (p.Gly471Arg). This variant is not present in population databases (gnomAD no frequency). This variant has not been reported in the literature in individuals affected with APC-related conditions. ClinVar contains an entry for this variant (Variation ID: 537508). An algorithm developed to predict the effect of missense changes on protein structure and function (PolyPhen-2) suggests that this variant is likely to be disruptive. In summary, the available evidence is currently insufficient to determine the role of this variant in disease. Therefore, it has been classified as a Variant of Uncertain Significance.

Ambry Genetics
Classification: Uncertain significance for Hereditary cancer-predisposing syndrome. Last evaluated: 2024-05-22. Review status: criteria provided, single submitter. Criteria: Ambry Variant Classification Scheme 2023. Collection method: clinical testing. Allele origin: germline.
Comment: The p.G471R variant (also known as c.1411G>A), located in coding exon 11 of the APC gene, results from a G to A substitution at nucleotide position 1411. The glycine at codon 471 is replaced by arginine, an amino acid with dissimilar properties. This amino acid position is highly conserved in available vertebrate species. In addition, in silico predictors for this gene do not accurately predict pathogenicity. Missense alterations in APC are not a common cause of disease (Spier I et al. Genet Med. 2024 Feb;26(2):100992). Based on the available evidence, the clinical significance of this variant remains unclear.